The following is an entry in ClinVar:

NM_000186.4(CFH):c.2536C>T (p.Gln846Ter)

Gene: CFH (complement factor H; plus strand). Cytogenetic location: 1q31.3.
Variant type: single nucleotide variant.
Coding change: c.2536C>T on transcript NM_000186.4 (MANE Select); coding-DNA position 2536, C replaced by T.
Protein change: p.Gln846Ter; replaces glutamine 846 with a stop codon.
Molecular consequence: nonsense.
Genome position (GRCh38, 1-based): chr1:196,736,946, C>T. VCF-style: chr1-196736946-C-T. GRCh37 (hg19) VCF-style: chr1-196706076-C-T.
Other names: short protein forms Q846*.
Identifiers: ClinVar variation 4291485 (VCV004291485.2).

ClinVar aggregate classification (germline): Pathogenic (1 of 4 stars; one submission).

Conditions:
Atypical hemolytic-uremic syndrome. Identifiers: Orphanet 2134, MedGen C2931788, MONDO:0016244.
Factor H deficiency (CFHD). Also called: COMPLEMENT FACTOR H DEFICIENCY; CFH DEFICIENCY. Identifiers: Orphanet 200421, MedGen C0398777, MONDO:0012350, OMIM 609814.

Submission:

Genomenon, Inc
Classification: Pathogenic for Atypical hemolytic-uremic syndrome; Factor H deficiency. Last evaluated: 2026-09-17. Review status: criteria provided, single submitter. Criteria: Genomenon Sequence Variant Interpretation Standards - Updated. Collection method: curation. Allele origin: germline. Affected: yes.
Comment: CFH p.Gln846Ter (c.2536C>T) is a nonsense variant that introduces a premature stop codon at amino acid position 846 and is predicted to result in a truncated or absent protein product. This variant has been observed in at least one proband affected with a CFH-related disorder (PMID: 29888403). It is absent or not present at a significant frequency in gnomAD. In conclusion, we classify CFH p.Gln846Ter (c.2536C>T) as a pathogenic variant.

Literature cited by the submitters: PubMed 29888403.